The following is an entry in ClinVar:

NM_003119.4(SPG7):c.759-162G>A

Gene: SPG7 (SPG7 matrix AAA peptidase subunit, paraplegin; plus strand). Cytogenetic location: 16q24.3.
Variant type: single nucleotide variant.
Coding change: c.759-162G>A on transcript NM_003119.4 (MANE Select); 162 bases into the intron before coding-DNA position 759, G replaced by A.
Molecular consequence: intron variant.
Genome position (GRCh38, 1-based): chr16:89,529,315, G>A. VCF-style: chr16-89529315-G-A. GRCh37 (hg19) VCF-style: chr16-89595723-G-A.
Other names: c.759-162G>A (NM_001363850.1, NM_199367.3).
Identifiers: ClinVar variation 670125 (VCV000670125.2), dbSNP rs3803677, ClinGen allele CA14273831.

ClinVar aggregate classification (germline): Benign. Review status: criteria provided, multiple submitters, no conflicts (2 of 4 stars). 2 submissions from 2 submitters: Benign (2). Last evaluated 2018-06-19.

Allele frequency attached by ClinVar (database versions not stated): gnomAD 0.42305; 1000 Genomes Project 0.49661; 1000 Genomes Project 30x 0.49172; TOPMed 0.42456.
gnomAD v4.1: 310,745 of 668,170 alleles (47%); highest among the groups gnomAD compares: East Asian, 69%; 74,845 homozygotes.

Submissions (2):

GeneDx
Classification: Benign. Last evaluated: 2018-06-19. Review status: criteria provided, single submitter. Criteria: GeneDx Variant Classification (06012015). Collection method: clinical testing. Allele origin: germline. Affected: yes.
Comment: This variant is considered likely benign or benign based on one or more of the following criteria: it is a conservative change, it occurs at a poorly conserved position in the protein, it is predicted to be benign by multiple in silico algorithms, and/or has population frequency not consistent with disease.

Breakthrough Genomics
Classification: Benign. Review status: criteria provided, single submitter. Criteria: ACMG Guidelines, 2015. Collection method: not provided. Allele origin: germline. Inheritance: Autosomal recessive inheritance. Affected: yes.